The following is an entry in ClinVar:

NM_001128840.3(CACNA1D):c.3709A>T (p.Met1237Leu)

Gene: CACNA1D (calcium voltage-gated channel subunit alpha1 D; plus strand). Cytogenetic location: 3p21.1.
Variant type: single nucleotide variant.
Coding change: c.3709A>T on transcript NM_001128840.3 (MANE Select); coding-DNA position 3709, A replaced by T.
Protein change: p.Met1237Leu; replaces methionine 1237 with leucine.
Molecular consequence: missense variant.
Genome position (GRCh38, 1-based): chr3:53,753,605, A>T. VCF-style: chr3-53753605-A-T. GRCh37 (hg19) VCF-style: chr3-53787632-A-T.
Other names: c.3769A>T, p.Met1257Leu (NM_000720.4); c.3709A>T, p.Met1237Leu (NM_001128839.3); short protein forms M1237L, M1257L.
Identifiers: ClinVar variation 2012982 (VCV002012982.4), dbSNP rs767083533, ClinGen allele CA353251583.

ClinVar aggregate classification (germline): Uncertain significance. Review status: criteria provided, multiple submitters, no conflicts (2 of 4 stars). 2 submissions from 2 submitters: Uncertain significance (2). Last evaluated 2022-07-18.

Submissions (2):

GeneDx
Classification: Uncertain significance. Last evaluated: 2022-07-18. Review status: criteria provided, single submitter. Criteria: GeneDx Variant Classification Process June 2021. Collection method: clinical testing. Allele origin: germline. Affected: yes.
Comment: Not observed at significant frequency in large population cohorts (gnomAD); In silico analysis supports that this missense variant has a deleterious effect on protein structure/function; Has not been previously published as pathogenic or benign to our knowledge

Labcorp Genetics (formerly Invitae), Labcorp
Classification: Uncertain significance. Last evaluated: 2022-07-01. Review status: criteria provided, single submitter. Criteria: Invitae Variant Classification Sherloc (09022015). Collection method: clinical testing. Allele origin: germline.
Comment: In summary, the available evidence is currently insufficient to determine the role of this variant in disease. Therefore, it has been classified as a Variant of Uncertain Significance. Algorithms developed to predict the effect of missense changes on protein structure and function are either unavailable or do not agree on the potential impact of this missense change (SIFT: "Tolerated"; PolyPhen-2: "Possibly Damaging"; Align-GVGD: "Class C0"). This variant has not been reported in the literature in individuals affected with CACNA1D-related conditions. This variant is not present in population databases (gnomAD no frequency). This sequence change replaces methionine, which is neutral and non-polar, with leucine, which is neutral and non-polar, at codon 1257 of the CACNA1D protein (p.Met1257Leu).